The following is an entry in ClinVar:

NM_020884.7(MYH7B):c.5070G>A (p.Ala1690=)

Gene: MYH7B (myosin heavy chain 7B; plus strand). Cytogenetic location: 20q11.22.
Variant type: single nucleotide variant.
Coding change: c.5070G>A on transcript NM_020884.7 (MANE Select); coding-DNA position 5070, G replaced by A.
Protein change: p.Ala1690=; no amino-acid change (alanine 1690 retained).
Molecular consequence: synonymous variant.
Genome position (GRCh38, 1-based): chr20:35,000,581, G>A. VCF-style: chr20-35000581-G-A. GRCh37 (hg19) VCF-style: chr20-33588384-G-A.
Other names: c.5196G>A (NM_020884.4).
Identifiers: ClinVar variation 2174227 (VCV002174227.5), dbSNP rs574084211, ClinGen allele CA9828415.

ClinVar aggregate classification (germline): Likely benign. Review status: criteria provided, multiple submitters, no conflicts (2 of 4 stars). 2 submissions from 2 submitters: Likely benign (2). Last evaluated 2026-01-05.

Conditions:
MYH7B-related disorder. Also called: MYH7B-related condition.

Allele frequency attached by ClinVar (database versions not stated): TOPMed 0.00004; gnomAD 0.00013; ExAC 0.00119; 1000 Genomes Project 30x 0.00125; 1000 Genomes Project 0.00140.
gnomAD v4.1: 297 of 1,566,258 alleles (0.019%); highest among the groups gnomAD compares: South Asian, 0.29%; 4 homozygotes.

Submissions (2):

Labcorp Genetics (formerly Invitae), Labcorp
Classification: Likely benign. Last evaluated: 2026-01-05. Review status: criteria provided, single submitter. Criteria: Invitae Variant Classification Sherloc (09022015). Collection method: clinical testing. Allele origin: germline.

PreventionGenetics, part of Exact Sciences
Classification: Likely benign for MYH7B-related condition. Last evaluated: 2024-11-26. Review status: criteria provided, single submitter. Criteria: ACMG Guidelines, 2015. Collection method: clinical testing. Allele origin: germline.
Comment: This variant is classified as likely benign based on ACMG/AMP sequence variant interpretation guidelines (Richards et al. 2015 PMID: 25741868, with internal and published modifications).